The following is an entry in ClinVar:

ClinVar aggregate classification (germline): Uncertain significance. Review status: criteria provided, multiple submitters, no conflicts (2 of 4 stars). 4 submissions from 4 submitters: Uncertain significance (4). Last evaluated 2025-02-16.

Conditions:
Hereditary cancer-predisposing syndrome. Also called: Hereditary Cancer Syndrome; Tumor predisposition; Neoplastic Syndromes, Hereditary; Hereditary neoplastic syndrome. Identifiers: Orphanet 140162, MedGen C0027672, MeSH D009386, MONDO:0015356.
Familial thoracic aortic aneurysm and aortic dissection (TAAD). Also called: Thoracic aortic aneurysms and dissections. Identifiers: Orphanet 91387, MedGen C4707243, MONDO:0019625.
Juvenile polyposis syndrome (JPS). Identifiers: Orphanet 2929, MedGen C0345893, MONDO:0017380, OMIM 174900.

Allele frequency attached by ClinVar (database versions not stated): TOPMed below 0.00001; gnomAD 0.00001.
gnomAD v4.1: 3 of 1,613,492 alleles (0.00019%); highest among the groups gnomAD compares: African/African-American, 0.0013%; no homozygotes.

Submissions (4):

Labcorp Genetics (formerly Invitae), Labcorp
Classification: Uncertain significance for Juvenile polyposis syndrome. Last evaluated: 2025-02-16. Review status: criteria provided, single submitter. Criteria: Invitae Variant Classification Sherloc (09022015). Collection method: clinical testing. Allele origin: germline.
Comment: This sequence change replaces proline, which is neutral and non-polar, with leucine, which is neutral and non-polar, at codon 296 of the SMAD4 protein (p.Pro296Leu). This variant is not present in population databases (gnomAD no frequency). This variant has not been reported in the literature in individuals affected with SMAD4-related conditions. ClinVar contains an entry for this variant (Variation ID: 970896). Invitae Evidence Modeling of protein sequence and biophysical properties (such as structural, functional, and spatial information, amino acid conservation, physicochemical variation, residue mobility, and thermodynamic stability) indicates that this missense variant is not expected to disrupt SMAD4 protein function with a negative predictive value of 95%. In summary, the available evidence is currently insufficient to determine the role of this variant in disease. Therefore, it has been classified as a Variant of Uncertain Significance.

Blueprint Genetics
Classification: Uncertain significance. Last evaluated: 2024-06-06. Review status: criteria provided, single submitter. Criteria: ACMG Guidelines, 2015. Collection method: clinical testing. Allele origin: germline.

Ambry Genetics
Classification: Uncertain significance for Hereditary cancer-predisposing syndrome; Familial thoracic aortic aneurysm and aortic dissection. Last evaluated: 2024-01-29. Review status: criteria provided, single submitter. Criteria: Ambry Variant Classification Scheme 2023. Collection method: clinical testing. Allele origin: germline.
Comment: The p.P296L variant (also known as c.887C>T), located in coding exon 6 of the SMAD4 gene, results from a C to T substitution at nucleotide position 887. The proline at codon 296 is replaced by leucine, an amino acid with similar properties. This amino acid position is highly conserved in available vertebrate species. In addition, the in silico prediction for this alteration is inconclusive. Based on the available evidence, the clinical significance of this alteration remains unclear.

GeneDx
Classification: Uncertain significance. Last evaluated: 2023-12-21. Review status: criteria provided, single submitter. Criteria: GeneDx Variant Classification Process June 2021. Collection method: clinical testing. Allele origin: germline. Affected: yes.
Comment: Not observed at significant frequency in large population cohorts (gnomAD); In silico analysis supports that this missense variant does not alter protein structure/function; Has not been previously published as pathogenic or benign to our knowledge; This variant is associated with the following publications: (PMID: 10636916)

NM_005359.6(SMAD4):c.887C>T (p.Pro296Leu)

Gene: SMAD4 (SMAD family member 4; plus strand). Cytogenetic location: 18q21.2.
Variant type: single nucleotide variant.
Coding change: c.887C>T on transcript NM_005359.6 (MANE Select); coding-DNA position 887, C replaced by T.
Protein change: p.Pro296Leu; replaces proline 296 with leucine.
Molecular consequence: missense variant.
Genome position (GRCh38, 1-based): chr18:51,058,439, C>T. VCF-style: chr18-51058439-C-T. GRCh37 (hg19) VCF-style: chr18-48584809-C-T.
Other names: short protein forms P296L.
Identifiers: ClinVar variation 970896 (VCV000970896.12), dbSNP rs1417632301, ClinGen allele CA402463586.